The following is an entry in ClinVar:

NM_001203.3(BMPR1B):c.1093G>A (p.Asp365Asn)

Gene: BMPR1B (bone morphogenetic protein receptor type 1B; plus strand). Cytogenetic location: 4q22.3.
Variant type: single nucleotide variant.
Coding change: c.1093G>A on transcript NM_001203.3 (MANE Select); coding-DNA position 1093, G replaced by A.
Protein change: p.Asp365Asn; replaces aspartic acid 365 with asparagine.
Molecular consequence: missense variant.
Genome position (GRCh38, 1-based): chr4:95,148,764, G>A. VCF-style: chr4-95148764-G-A. GRCh37 (hg19) VCF-style: chr4-96069915-G-A.
Other names: c.1093G>A, p.Asp365Asn (NM_001256792.2, NM_001256794.1); c.1183G>A, p.Asp395Asn (NM_001256793.2); c.1093G>A (NM_001203.2); short protein forms D365N, D395N.
Identifiers: ClinVar variation 1921558 (VCV001921558.6), dbSNP rs761588488, ClinGen allele CA3015172.

ClinVar aggregate classification (germline): Uncertain significance. Review status: criteria provided, multiple submitters, no conflicts (2 of 4 stars). 2 submissions from 2 submitters: Uncertain significance (2). Last evaluated 2022-10-31.

Conditions:
Acromesomelic dysplasia 3 (AMD3). Also called: Acromesomelic dysplasia, Demirhan type; CHONDRODYSPLASIA, ACROMESOMELIC, WITH OR WITHOUT GENITAL ANOMALIES. Identifiers: MedGen C4225404, MONDO:0012274, OMIM 609441.
Type A2 brachydactyly (BDA2). Also called: Brachymesophalangy type 2; MOHR-WRIEDT TYPE BRACHYDACTYLY; BRACHYMESOPHALANGY II. Identifiers: Orphanet 93396, MedGen C1832702, MONDO:0007216, OMIM 112600, HP:0009372.

Allele frequency attached by ClinVar (database versions not stated): ExAC 0.00001; gnomAD 0.00001.
gnomAD v4.1: 6 of 1,613,748 alleles (0.00037%); highest among the groups gnomAD compares: East Asian, 0.0067%; no homozygotes.

Submissions (2):

GeneDx
Classification: Uncertain significance. Last evaluated: 2022-10-31. Review status: criteria provided, single submitter. Criteria: GeneDx Variant Classification Process June 2021. Collection method: clinical testing. Allele origin: germline. Affected: yes.
Comment: In silico analysis supports that this missense variant has a deleterious effect on protein structure/function; Has not been previously published as pathogenic or benign to our knowledge

Labcorp Genetics (formerly Invitae), Labcorp
Classification: Uncertain significance for Type A2 brachydactyly; Acromesomelic dysplasia 3. Last evaluated: 2022-09-29. Review status: criteria provided, single submitter. Criteria: Invitae Variant Classification Sherloc (09022015). Collection method: clinical testing. Allele origin: germline.
Comment: This sequence change replaces aspartic acid, which is acidic and polar, with asparagine, which is neutral and polar, at codon 365 of the BMPR1B protein (p.Asp365Asn). This variant is present in population databases (rs761588488, gnomAD 0.005%). In summary, the available evidence is currently insufficient to determine the role of this variant in disease. Therefore, it has been classified as a Variant of Uncertain Significance. Advanced modeling of protein sequence and biophysical properties (such as structural, functional, and spatial information, amino acid conservation, physicochemical variation, residue mobility, and thermodynamic stability) performed at Invitae indicates that this missense variant is not expected to disrupt BMPR1B protein function. This variant has not been reported in the literature in individuals affected with BMPR1B-related conditions.